The following is an entry in ClinVar:

NM_000458.4(HNF1B):c.344G>A (p.Ser115Asn)

Gene: HNF1B (HNF1 homeobox B; minus strand). Cytogenetic location: 17q12.
Variant type: single nucleotide variant.
Coding change: c.344G>A on transcript NM_000458.4 (MANE Select); coding-DNA position 344, G replaced by A.
Protein change: p.Ser115Asn; replaces serine 115 with asparagine.
Molecular consequence: missense variant.
Genome position (GRCh38, 1-based): chr17:37,744,541, C>T on the plus strand (G>A on the coding strand, the complement: HNF1B is on the minus strand). VCF-style: chr17-37744541-C-T. GRCh37 (hg19) VCF-style: chr17-36104532-C-T.
Other names: c.344G>A, p.Ser115Asn (NM_001165923.4, NM_001304286.2); short protein forms S115N.
Identifiers: ClinVar variation 36846 (VCV000036846.7), dbSNP rs193922487, ClinGen allele CA214357.

ClinVar aggregate classification (germline): Conflicting classifications of pathogenicity. Review status: criteria provided, conflicting classifications (1 of 4 stars). 4 submissions from 4 submitters: Likely pathogenic (3); Uncertain significance (1). Last evaluated 2022-02-02.

Conditions:
Maturity-onset diabetes of the young (MODY). Also called: Maturity onset diabetes mellitus in young. Identifiers: Orphanet 552, MedGen C0342276, MONDO:0018911, HP:0004904.
Renal cysts and diabetes syndrome (RCAD). Also called: MATURITY-ONSET DIABETES OF THE YOUNG, TYPE 5; Familial hypoplastic, glomerulocystic kidney. Identifiers: Orphanet 93111, MedGen C0431693, MONDO:0007669, OMIM 137920.

Submissions (4):

Victorian Clinical Genetics Services, Murdoch Childrens Research Institute
Classification: Uncertain significance for Renal cysts and diabetes syndrome. Last evaluated: 2022-02-02. Review status: criteria provided, single submitter. Criteria: ACMG Guidelines, 2015. Collection method: clinical testing. Allele origin: germline. Inheritance: Autosomal dominant inheritance. Affected: yes.
Comment: Based on the classification scheme VCGS_Germline_v1.3.4, this variant is classified as VUS-3B. Following criteria are met: 0103 - Dominant negative, loss of function, and gain of function are all reported mechanisms of disease in this gene and are associated with type 2 diabetes mellitus (MIM#125853) and renal cysts and diabetes syndrome (MIM#137920; OMIM, PMID: 25536396, 11845238, 15509593). (I) 0107 - This gene is associated with autosomal dominant disease. (I) 0115 - Variants in this gene are known to have variable expressivity. Variable types and ages of onset of renal disease have been associated with HNF1B variants (PMID: 2976441). (I) 0200 - Variant is predicted to result in a missense amino acid change from serine to asparagine. (I) 0251 - This variant is heterozygous. (I) 0301 - Variant is absent from gnomAD (both v2 and v3). (SP) 0503 - Missense variant consistently predicted to be tolerated by multiple in silico tools or not conserved in placental mammals with a minor amino acid change. (SB) 0506 - Abnormal splicing is not predicted and nucleotide is poorly conserved. This variant is in the last coding base of exon 1 and is therefore in a splice region. (SB) 0600 - Variant is located in the annotated hepatocyte nuclear factor 1 N-terminus domain (DECIPHER). (I) 0705 - No comparable missense variants have previous evidence for pathogenicity. (I) 0803 - This variant has limited previous evidence of pathogenicity in an unrelated individual observed by a clinical laboratory in ClinVar. (SP) 0905 - No published segregation evidence has been identified for this variant. (I) 1007 - No published functional evidence has been identified for this variant. (I) 1208 - Inheritance information for this variant is not currently available in this individual. (I) Legend: (SP) - Supporting pathogenic, (I) - Information, (SB) - Supporting benign

Institute of Human Genetics, FAU Erlangen, Friedrich-Alexander-Universität Erlangen-Nürnberg
Classification: Likely pathogenic for Renal cysts and diabetes syndrome. Last evaluated: 2019-07-06. Review status: criteria provided, single submitter. Criteria: ACMG Guidelines, 2015. Collection method: literature only. Allele origin: germline. Affected: yes.
Comment: This variant and it's classification has been reported by Vasileiou et al. 2019; DOI:10.1101/576918. The variants has previously been reported in ClinVar:36846 as "NM_000458.3(HNF1B):c.344G>A (p.Ser115Asn)" with clinical significance Likely pathogenic. It has been re-classified using InterVar and manual curation as Likely pathogenic based on PM1 PM2 PP3 PP5.

Women's Health and Genetics/Laboratory Corporation of America, LabCorp
Classification: Likely pathogenic for MODY5. Last evaluated: 2011-08-18. Review status: criteria provided, single submitter. Criteria: LabCorp Variant Classification Summary - May 2015. Collection method: curation, clinical testing. Allele origin: germline. Inheritance: autosomal unknown. Affected: yes.
ClinVar note: Converted during submission from likely pathogenic to Likely pathogenic.

Clinical Genomics, Uppaluri K&H Personalized Medicine Clinic
Classification: Likely pathogenic for Maturity-onset diabetes of the young. Review status: criteria provided, single submitter. Criteria: K & H Uppaluri Personalized Medicine Clinic Variant Classification & Assertion Criteria_Updated V.1. Collection method: research. Allele origin: unknown. Inheritance: Autosomal dominant inheritance.
Comment: HNF1B gene mutations are associated with early onset diabetes and pancreatic atrophy. It is also associated with multiple renal manifestations including renal cysts, Tubulointerstitial disease, glomerulocystic disease, renal hypoplasia, hypomagnesemia.However no sufficient evidence is found to ascertain the role of this particular variant rs193922487, yet.

Literature cited by the submitters: PubMed 11845238 (cited by Victorian Clinical Genetics Services, Murdoch Childrens Research Institute); PubMed 15509593 (cited by Victorian Clinical Genetics Services, Murdoch Childrens Research Institute); PubMed 25536396 (cited by Victorian Clinical Genetics Services, Murdoch Childrens Research Institute and Clinical Genomics, Uppaluri K&H Personalized Medicine Clinic); PubMed 29764441 (cited by Victorian Clinical Genetics Services, Murdoch Childrens Research Institute); PubMed 2976441 (cited by Victorian Clinical Genetics Services, Murdoch Childrens Research Institute); DOI 10.1101/576918 (cited by Institute of Human Genetics, FAU Erlangen, Friedrich-Alexander-Universität Erlangen-Nürnberg); PubMed 24897035 (cited by Clinical Genomics, Uppaluri K&H Personalized Medicine Clinic); PubMed 27615128 (cited by Clinical Genomics, Uppaluri K&H Personalized Medicine Clinic); PubMed 28215227 (cited by Clinical Genomics, Uppaluri K&H Personalized Medicine Clinic); PubMed 33434175 (cited by Clinical Genomics, Uppaluri K&H Personalized Medicine Clinic); PubMed 25741167 (cited by Clinical Genomics, Uppaluri K&H Personalized Medicine Clinic); PubMed 26340261 (cited by Clinical Genomics, Uppaluri K&H Personalized Medicine Clinic); PubMed 19639018 (cited by Clinical Genomics, Uppaluri K&H Personalized Medicine Clinic).